The following is an entry in ClinVar:

ClinVar aggregate classification (germline): Uncertain significance (1 of 4 stars; one submission).

Submission:

GeneDx
Classification: Uncertain significance. Last evaluated: 2021-06-20. Review status: criteria provided, single submitter. Criteria: GeneDx Variant Classification Process June 2021. Collection method: clinical testing. Allele origin: germline. Affected: yes.
Comment: Not observed at significant frequency in large population cohorts (Lek et al., 2016); In silico analysis supports that this missense variant has a deleterious effect on protein structure/function; Has not been previously published as pathogenic or benign to our knowledge; This variant is associated with the following publications: (PMID: 27535533)

NM_014795.4(ZEB2):c.3206C>G (p.Ser1069Trp)

Gene: ZEB2 (zinc finger E-box binding homeobox 2; minus strand). Cytogenetic location: 2q22.3.
Variant type: single nucleotide variant.
Coding change: c.3206C>G on transcript NM_014795.4 (MANE Select); coding-DNA position 3206, C replaced by G.
Protein change: p.Ser1069Trp; replaces serine 1069 with tryptophan.
Molecular consequence: missense variant.
Genome position (GRCh38, 1-based): chr2:144,389,890, G>C on the plus strand (C>G on the coding strand, the complement: ZEB2 is on the minus strand). VCF-style: chr2-144389890-G-C. GRCh37 (hg19) VCF-style: chr2-145147457-G-C.
Other names: c.3134C>G, p.Ser1045Trp (NM_001171653.2); short protein forms S1045W, S1069W.
Identifiers: ClinVar variation 1328829 (VCV001328829.2), dbSNP rs1553960778, ClinGen allele CA348700332.